The following is an entry in ClinVar:

NM_021076.4(NEFH):c.2996G>C (p.Ser999Thr)

Gene: NEFH (neurofilament heavy chain; plus strand). Cytogenetic location: 22q12.2.
Variant type: single nucleotide variant.
Coding change: c.2996G>C on transcript NM_021076.4 (MANE Select); coding-DNA position 2996, G replaced by C.
Protein change: p.Ser999Thr; replaces serine 999 with threonine.
Molecular consequence: missense variant.
Genome position (GRCh38, 1-based): chr22:29,490,636, G>C. VCF-style: chr22-29490636-G-C. GRCh37 (hg19) VCF-style: chr22-29886625-G-C.
Other names: short protein forms S999T.
Identifiers: ClinVar variation 4803176 (VCV004803176.1).
Genomic context (GRCh38, chr22:29,490,636, plus strand): 5'-ACAAGACCCTCTCAAAAGAGCCTAGCAAGCCTAAGGCAGAAAAGGCTGAAAAATCCTCCA[G>C]CACAGACCAAAAAGACAGCAAGCCTCCAGAGAAGGCCACAGAAGACAAGGCCGCCAAGGG-3'
Protein context (NP_066554.2, residues 989-1009): PKAEKAEKSS[Ser999Thr]TDQKDSKPPE

ClinVar aggregate classification (germline): Uncertain significance (1 of 4 stars; one submission).

Submission:

Labcorp Genetics (formerly Invitae), Labcorp
Classification: Uncertain significance. Last evaluated: 2026-02-02. Review status: criteria provided, single submitter. Criteria: Invitae Variant Classification Sherloc (09022015). Collection method: clinical testing. Allele origin: germline.
Comment: This sequence change replaces serine, which is neutral and polar, with threonine, which is neutral and polar, at codon 999 of the NEFH protein (p.Ser999Thr). This variant is not present in population databases (gnomAD no frequency). This variant has not been reported in the literature in individuals affected with NEFH-related conditions. Invitae Evidence Modeling of protein sequence and biophysical properties (such as structural, functional, and spatial information, amino acid conservation, physicochemical variation, residue mobility, and thermodynamic stability) indicates that this missense variant is not expected to disrupt NEFH protein function with a negative predictive value of 95%. In summary, the available evidence is currently insufficient to determine the role of this variant in disease. Therefore, it has been classified as a Variant of Uncertain Significance.